The following is an entry in ClinVar:

NM_020964.3(EPG5):c.1499T>G (p.Ile500Ser)

Gene: EPG5 (ectopic P-granules 5 autophagy tethering factor; minus strand). Cytogenetic location: 18q21.1.
Variant type: single nucleotide variant.
Coding change: c.1499T>G on transcript NM_020964.3 (MANE Select); coding-DNA position 1499, T replaced by G.
Protein change: p.Ile500Ser; replaces isoleucine 500 with serine.
Molecular consequence: missense variant.
Genome position (GRCh38, 1-based): chr18:45,948,575, A>C on the plus strand (T>G on the coding strand, the complement: EPG5 is on the minus strand). VCF-style: chr18-45948575-A-C. GRCh37 (hg19) VCF-style: chr18-43528541-A-C.
Other names: c.1499T>G, p.Ile500Ser (NM_001410858.1, NM_001410859.1); short protein forms I500S.
Identifiers: ClinVar variation 2092373 (VCV002092373.2), dbSNP rs2512064752, ClinGen allele CA402349234.

ClinVar aggregate classification (germline): Conflicting classifications of pathogenicity. Review status: criteria provided, conflicting classifications (1 of 4 stars). 2 submissions from 2 submitters: Likely pathogenic (1); Uncertain significance (1). Last evaluated 2025-08-25.

Conditions:
Vici syndrome (VICIS). Identifiers: Orphanet 1493, MedGen C1855772, MONDO:0009452, OMIM 242840.

Submissions (2):

Daryl Scott Lab, Baylor College of Medicine
Classification: Likely pathogenic for Vici syndrome. Last evaluated: 2025-08-25. Review status: criteria provided, single submitter. Criteria: ACMG Guidelines, 2015. Collection method: clinical testing. Allele origin: unknown. Affected: yes. Observed: 1 compound heterozygote.
Comment: PM2, PM3, PP1, PP3, PP4

Labcorp Genetics (formerly Invitae), Labcorp
Classification: Uncertain significance for Vici syndrome. Last evaluated: 2022-07-12. Review status: criteria provided, single submitter. Criteria: Invitae Variant Classification Sherloc (09022015). Collection method: clinical testing. Allele origin: germline.
Comment: This sequence change replaces isoleucine, which is neutral and non-polar, with serine, which is neutral and polar, at codon 500 of the EPG5 protein (p.Ile500Ser). This variant is not present in population databases (gnomAD no frequency). This variant has not been reported in the literature in individuals affected with EPG5-related conditions. Algorithms developed to predict the effect of missense changes on protein structure and function are either unavailable or do not agree on the potential impact of this missense change (SIFT: "Deleterious"; PolyPhen-2: "Probably Damaging"; Align-GVGD: "Class C0"). Algorithms developed to predict the effect of sequence changes on RNA splicing suggest that this variant may disrupt the consensus splice site. In summary, the available evidence is currently insufficient to determine the role of this variant in disease. Therefore, it has been classified as a Variant of Uncertain Significance.